The following is an entry in ClinVar:

ClinVar aggregate classification (germline): Likely benign (1 of 4 stars; one submission).

gnomAD v4.1: 12 of 1,613,790 alleles (0.00074%); highest among the groups gnomAD compares: African/African-American, 0.008%; 1 homozygote.

Submission:

CeGaT Center for Human Genetics Tuebingen
Classification: Likely benign. Last evaluated: 2026-05-01. Review status: criteria provided, single submitter. Criteria: CeGaT Center For Human Genetics Tuebingen Variant Classification Criteria Version 2. Collection method: clinical testing. Allele origin: germline. Affected: yes. Observed: 1 variant allele.
Comment: ABI3: BP4, BP7

NM_016428.3(ABI3):c.897T>G (p.Pro299=)

Gene: ABI3 (ABI family member 3; plus strand). Cytogenetic location: 17q21.32.
Variant type: single nucleotide variant.
Coding change: c.897T>G on transcript NM_016428.3 (MANE Select); coding-DNA position 897, T replaced by G.
Protein change: p.Pro299=; no amino-acid change (proline 299 retained).
Molecular consequence: synonymous variant.
Genome position (GRCh38, 1-based): chr17:49,222,185, T>G. VCF-style: chr17-49222185-T-G. GRCh37 (hg19) VCF-style: chr17-47299547-T-G.
Other names: c.879T>G, p.Pro293= (NM_001135186.2).
Identifiers: ClinVar variation 4874395 (VCV004874395.2).